The following is an entry in ClinVar:

NM_002662.5(PLD1):c.1460G>A (p.Trp487Ter)

Gene: PLD1 (phospholipase D1; minus strand). Cytogenetic location: 3q26.31.
Variant type: single nucleotide variant.
Coding change: c.1460G>A on transcript NM_002662.5 (MANE Select); coding-DNA position 1460, G replaced by A.
Protein change: p.Trp487Ter; replaces tryptophan 487 with a stop codon.
Molecular consequence: nonsense.
Genome position (GRCh38, 1-based): chr3:171,688,755, C>T on the plus strand (G>A on the coding strand, the complement: PLD1 is on the minus strand). VCF-style: chr3-171688755-C-T. GRCh37 (hg19) VCF-style: chr3-171406545-C-T.
Other names: c.1460G>A, p.Trp487Ter (NM_001130081.3); short protein forms W487*.
Identifiers: ClinVar variation 5006585 (VCV005006585.2).

ClinVar aggregate classification (germline): Pathogenic (1 of 4 stars; one submission).

Conditions:
Cardiac valvular defect, developmental (CVDP1). Also called: CARDIAC VALVULAR DYSPLASIA 1. Identifiers: MedGen C5774175, MONDO:0008913, OMIM 212093.

Submission:

Juno Genomics, Hangzhou Juno Genomics, Inc
Classification: Pathogenic for Cardiac valvular defect, developmental. Review status: criteria provided, single submitter. Criteria: ACMG Guidelines, 2015. Collection method: clinical testing. Allele origin: germline.
Comment: Null variant in a gene where loss of function (LOF) is a known mechanism of disease.;Absent from controls (or at extremely low frequency if recessive) in Genome Aggregation Database.;Patient's phenotype or family history is highly specific for a disease with a single genetic etiology.